The following is an entry in ClinVar:

ClinVar aggregate classification (germline): Uncertain significance. Review status: criteria provided, multiple submitters, no conflicts (2 of 4 stars). 2 submissions from 2 submitters: Uncertain significance (2). Last evaluated 2022-07-20.

Conditions:
Susceptibility to respiratory infections associated with CD8alpha chain mutation (IMD116). Also called: IMMUNODEFICIENCY 116; Cd8 deficiency, familial. Identifiers: Orphanet 169085, MedGen C1837065, MONDO:0012161, OMIM 608957.

Allele frequency attached by ClinVar (database versions not stated): ESP Exome Variant Server 0.00015; gnomAD 0.00019 and 0.00017; TOPMed 0.00022.
gnomAD v4.1: 38 of 1,584,158 alleles (0.0024%); highest among the groups gnomAD compares: African/African-American, 0.048%; no homozygotes.

Submissions (3):

Labcorp Genetics (formerly Invitae), Labcorp
Classification: Uncertain significance for Susceptibility to respiratory infections associated with CD8alpha chain mutation. Last evaluated: 2022-07-20. Review status: criteria provided, single submitter. Criteria: Invitae Variant Classification Sherloc (09022015). Collection method: clinical testing. Allele origin: germline.
Comment: This sequence change replaces histidine, which is basic and polar, with leucine, which is neutral and non-polar, at codon 208 of the CD8A protein (p.His208Leu). This variant is present in population databases (rs146994832, gnomAD 0.07%). This variant has not been reported in the literature in individuals affected with CD8A-related conditions. ClinVar contains an entry for this variant (Variation ID: 625911). Algorithms developed to predict the effect of missense changes on protein structure and function are either unavailable or do not agree on the potential impact of this missense change (SIFT: "Tolerated"; PolyPhen-2: "Benign"; Align-GVGD: "Class C25"). In summary, the available evidence is currently insufficient to determine the role of this variant in disease. Therefore, it has been classified as a Variant of Uncertain Significance.

Center for Genomics, Ann and Robert H. Lurie Children's Hospital of Chicago
Classification: Uncertain significance for Susceptibility to respiratory infections associated with CD8alpha chain mutation. Last evaluated: 2021-03-30. Review status: criteria provided, single submitter. Criteria: ACMG Guidelines, 2015. Collection method: clinical testing. Allele origin: germline.
Comment: CD8A NM_001768.6 exon 4 p.His208Leu (c.623A>T): This variant has not been reported in the literature but is present in 0.06% (16/24958) of African alleles in the Genome Aggregation Database. Evolutionary conservation for this variant is limited or unavailable; computational predictive tools suggest that this variant may not impact the protein. In summary, data on this variant is insufficient for disease classification. Therefore, the clinical significance of this variant is uncertain.

Dr. Peter K. Rogan Lab, Western University
No classification provided (evidence only). Condition: Lung cancer. Review status: no classification provided. Collection method: in vitro. Allele origin: not applicable. Functional consequence: skipped exon. Not counted in ClinVar's aggregate classification.

NM_001768.7(CD8A):c.623A>T (p.His208Leu)

Gene: CD8A (CD8 subunit alpha; minus strand). Cytogenetic location: 2p11.2.
Variant type: single nucleotide variant.
Coding change: c.623A>T on transcript NM_001768.7 (MANE Select); coding-DNA position 623, A replaced by T.
Protein change: p.His208Leu; replaces histidine 208 with leucine.
Molecular consequence: missense variant. On other transcripts: non-coding transcript variant (2), intron variant (1).
Genome position (GRCh38, 1-based): chr2:86,789,325, T>A on the plus strand (A>T on the coding strand, the complement: CD8A is on the minus strand). VCF-style: chr2-86789325-T-A. GRCh37 (hg19) VCF-style: chr2-87016448-T-A.
Other names: c.623A>T, p.His208Leu (NM_001145873.1, NM_001382698.1); c.514+315A>T (NM_171827.4); short protein forms H208L.
Identifiers: ClinVar variation 625911 (VCV000625911.8), dbSNP rs146994832, ClinGen allele CA1751136.